The following is an entry in ClinVar:

NM_001197104.2(KMT2A):c.4245G>A (p.Trp1415Ter)

Gene: KMT2A (lysine methyltransferase 2A; plus strand). Cytogenetic location: 11q23.3.
Variant type: single nucleotide variant.
Coding change: c.4245G>A on transcript NM_001197104.2 (MANE Select); coding-DNA position 4245, G replaced by A.
Protein change: p.Trp1415Ter; replaces tryptophan 1415 with a stop codon.
Molecular consequence: nonsense.
Genome position (GRCh38, 1-based): chr11:118,484,888, G>A. VCF-style: chr11-118484888-G-A. GRCh37 (hg19) VCF-style: chr11-118355603-G-A.
Other names: c.4344G>A, p.Trp1448Ter (NM_001412597.1); c.4245G>A, p.Trp1415Ter (NM_005933.4); short protein forms W1415*, W1448*.
Identifiers: ClinVar variation 4814138 (VCV004814138.1).

ClinVar aggregate classification (germline): Likely pathogenic (1 of 4 stars; one submission).

Conditions:
Wiedemann-Steiner syndrome (WDSTS). Also called: Growth deficiency and mental retardation with facial dysmorphism. Identifiers: Orphanet 319182, MedGen C1854630, MONDO:0011518, OMIM 605130.

Submission:

OLLIN Analises Genomicas, OLLIN
Classification: Likely pathogenic for Wiedemann-Steiner syndrome. Last evaluated: 2025-08-19. Review status: criteria provided, single submitter. Criteria: ACMG Guidelines 2015 PMID 25741868. Collection method: clinical testing. Allele origin: germline. Affected: yes. Observed: 1 variant allele.
Comment: The nonsense variant (chr11:118484888G>A), located in exon 10 (of 36), is not reported in the gnomAD v4.1 non-UKB or ClinVar databases, nor has it been found in the scientific literature. This variant introduces a premature stop codon, resulting in a truncated protein or mRNA degradation via nonsense-mediated decay (NMD). Based on currently available evidence, this variant has been classified as likely pathogenic (PVS1, PM2_P).